The following is an entry in ClinVar:

ClinVar aggregate classification (germline): Uncertain significance (1 of 4 stars; one submission).

Conditions:
Cowden syndrome 6 (CWS6). Identifiers: Orphanet 201, MedGen C3554519, MONDO:0014048, OMIM 615109.

Submission:

Labcorp Genetics (formerly Invitae), Labcorp
Classification: Uncertain significance for Cowden syndrome 6. Last evaluated: 2019-09-14. Review status: criteria provided, single submitter. Criteria: Invitae Variant Classification Sherloc (09022015). Collection method: clinical testing. Allele origin: germline.
Comment: In summary, the available evidence is currently insufficient to determine the role of this variant in disease. Therefore, it has been classified as a Variant of Uncertain Significance. Algorithms developed to predict the effect of sequence changes on RNA splicing suggest that this variant may disrupt the consensus splice site, but this prediction has not been confirmed by published transcriptional studies. This variant has not been reported in the literature in individuals with AKT1-related conditions. This variant is not present in population databases (ExAC no frequency). This sequence change falls in intron 4 of the AKT1 gene. It does not directly change the encoded amino acid sequence of the AKT1 protein.

NM_001382430.1(AKT1):c.288-9_288-8delinsGA

Gene: AKT1 (AKT serine/threonine kinase 1; minus strand). Cytogenetic location: 14q32.33.
Variant type: Indel.
Coding change: c.288-9_288-8delinsGA on transcript NM_001382430.1 (MANE Select); 9 bases into the intron before coding-DNA position 288 through 8 bases into the intron before coding-DNA position 288, CT replaced by GA.
Molecular consequence: intron variant.
Genome position (GRCh38, 1-based): chr14:104,775,807-104,775,808, AG replaced by TC on the plus strand (CT replaced by GA on the coding strand, the reverse complement: AKT1 is on the minus strand). VCF-style: chr14-104775807-AG-TC. GRCh37 (hg19) VCF-style: chr14-105242144-AG-TC.
Other names: c.288-9_288-8delinsGA (NM_001014431.2, NM_001014432.2, NM_001382433.1 and 3 more transcripts).
Identifiers: ClinVar variation 939917 (VCV000939917.9), dbSNP rs1892668261, ClinGen allele CA1139663769.